The following is an entry in ClinVar:

ClinVar aggregate classification (germline): Uncertain significance (1 of 4 stars; one submission).

Conditions:
Hereditary cancer-predisposing syndrome. Also called: Tumor predisposition; Hereditary Cancer Syndrome; Neoplastic Syndromes, Hereditary; Hereditary neoplastic syndrome. Identifiers: Orphanet 140162, MedGen C0027672, MeSH D009386, MONDO:0015356.

Allele frequency attached by ClinVar (database versions not stated): gnomAD exomes below 0.00001.
gnomAD v4.1: 1 of 1,606,292 alleles (0.000062%); highest among the groups gnomAD compares: Non-Finnish European, 0.000085%; no homozygotes.

Submission:

Ambry Genetics
Classification: Uncertain significance for Hereditary cancer-predisposing syndrome. Last evaluated: 2022-02-03. Review status: criteria provided, single submitter. Criteria: Ambry Variant Classification Scheme 2023. Collection method: clinical testing. Allele origin: germline.
Comment: The p.R373K variant (also known as c.1118G>A), located in coding exon 9 of the POT1 gene, results from a G to A substitution at nucleotide position 1118. The arginine at codon 373 is replaced by lysine, an amino acid with highly similar properties. This amino acid position is not well conserved in available vertebrate species. In addition, this alteration is predicted to be tolerated by in silico analysis. Since supporting evidence is limited at this time, the clinical significance of this alteration remains unclear.

NM_015450.3(POT1):c.1118G>A (p.Arg373Lys)

Gene: POT1 (protection of telomeres 1; minus strand). Cytogenetic location: 7q31.33.
Variant type: single nucleotide variant.
Coding change: c.1118G>A on transcript NM_015450.3 (MANE Select); coding-DNA position 1118, G replaced by A.
Protein change: p.Arg373Lys; replaces arginine 373 with lysine.
Molecular consequence: missense variant. On other transcripts: non-coding transcript variant (3).
Genome position (GRCh38, 1-based): chr7:124,842,852, C>T on the plus strand (G>A on the coding strand, the complement: POT1 is on the minus strand). VCF-style: chr7-124842852-C-T. GRCh37 (hg19) VCF-style: chr7-124482906-C-T.
Other names: c.725G>A, p.Arg242Lys (NM_001042594.2); short protein forms R373K, R242K.
Identifiers: ClinVar variation 1796804 (VCV001796804.2), dbSNP rs2485401868, ClinGen allele CA369068264.